The following is an entry in ClinVar:

ClinVar aggregate classification (germline): Benign. Review status: criteria provided, multiple submitters, no conflicts (2 of 4 stars). 3 submissions from 3 submitters: Benign (2). 1 of the submissions does not count toward it. Last evaluated 2016-03-29.

Conditions:
KIF26B-related disorder. Also called: KIF26B-related condition.

Allele frequency attached by ClinVar (database versions not stated): ESP Exome Variant Server 0.01037; gnomAD exomes 0.02093 and 0.04878; gnomAD 0.02382 and 0.02594; TOPMed 0.03499; ExAC 0.04221; 1000 Genomes Project 0.05212; 1000 Genomes Project 30x 0.05309.
gnomAD v4.1: 34,644 of 1,613,346 alleles (2.1%); highest among the groups gnomAD compares: Admixed American, 18%; 1,586 homozygotes.

Submissions (3):

Laboratory for Molecular Medicine, Mass General Brigham Personalized Medicine
Classification: Benign. Last evaluated: 2016-03-29. Review status: criteria provided, single submitter. Criteria: LMM Criteria. Collection method: clinical testing. Allele origin: germline.
Comment: Variant identified in a genome or exome case(s) and assessed due to predicted null impact of the variant or pathogenic assertions in the literature or databases. Disclaimer: This variant has not undergone full assessment. The following are preliminary notes: Frequency

Breakthrough Genomics
Classification: Benign. Review status: criteria provided, single submitter. Criteria: ACMG Guidelines, 2015. Collection method: not provided. Allele origin: germline. Inheritance: Unknown mechanism. Affected: yes.

PreventionGenetics, part of Exact Sciences
Classification: Benign for KIF26B-related condition. Last evaluated: 2019-04-05. Review status: no assertion criteria provided. Collection method: clinical testing. Allele origin: germline. Not counted in ClinVar's aggregate classification.
Comment: This variant is classified as benign based on ACMG/AMP sequence variant interpretation guidelines (Richards et al. 2015 PMID: 25741868, with internal and published modifications).

NM_018012.4(KIF26B):c.3444G>A (p.Pro1148=)

Gene: KIF26B (kinesin family member 26B; plus strand). Cytogenetic location: 1q44.
Variant type: single nucleotide variant.
Coding change: c.3444G>A on transcript NM_018012.4 (MANE Select); coding-DNA position 3444, G replaced by A.
Protein change: p.Pro1148=; no amino-acid change (proline 1148 retained).
Molecular consequence: synonymous variant.
Genome position (GRCh38, 1-based): chr1:245,686,427, G>A. VCF-style: chr1-245686427-G-A. GRCh37 (hg19) VCF-style: chr1-245849729-G-A.
Identifiers: ClinVar variation 403008 (VCV000403008.7), dbSNP rs3820246, ClinGen allele CA1488252.